The following is an entry in ClinVar:

ClinVar aggregate classification (germline): Benign. Review status: criteria provided, multiple submitters, no conflicts (2 of 4 stars). 3 submissions from 2 submitters: Benign (3). Last evaluated 2018-01-13.

Conditions:
Bardet-Biedl syndrome 11 (BBS11). Identifiers: Orphanet 110, MedGen C1859569, MONDO:0014439, OMIM 615988.
Sarcotubular myopathy (LGMDR8). Also called: Limb-girdle muscular dystrophy, type 2H; Hutterite type of muscular dystrophy; Autosomal recessive limb-girdle muscular dystrophy type 2H; MUSCULAR DYSTROPHY, LIMB-GIRDLE, AUTOSOMAL RECESSIVE 8. Identifiers: Orphanet 1878, MedGen C0270968, MONDO:0009683, OMIM 254110.

Allele frequency attached by ClinVar (database versions not stated): 1000 Genomes Project 0.26797; 1000 Genomes Project 30x 0.27046; gnomAD 0.28741 and 0.28861; TOPMed 0.29109; gnomAD exomes 0.37903.
gnomAD v4.1: 49,604 of 166,942 alleles (30%); highest among the groups gnomAD compares: Admixed American, 42%; 8,331 homozygotes.

Submissions (3):

Illumina Laboratory Services, Illumina
Classification: Benign for Bardet-Biedl syndrome 11. Last evaluated: 2018-01-13. Review status: criteria provided, single submitter. Criteria: ICSL Variant Classification Criteria 13 December 2019. Collection method: clinical testing. Allele origin: germline.
Comment: This variant was observed in the ICSL laboratory as part of a predisposition screen in an ostensibly healthy population. It had not been previously curated by ICSL or reported in the Human Gene Mutation Database (HGMD: prior to June 1st, 2018), and was therefore a candidate for classification through an automated scoring system. Utilizing variant allele frequency, disease prevalence and penetrance estimates, and inheritance mode, an automated score was calculated to assess if this variant is too frequent to cause the disease. Based on the score and internal cut-off values, a variant classified as benign is not then subjected to further curation. The score for this variant resulted in a classification of benign for this disease.

Illumina Laboratory Services, Illumina
Classification: Benign for Sarcotubular myopathy. Last evaluated: 2018-01-13. Review status: criteria provided, single submitter. Criteria: ICSL Variant Classification Criteria 13 December 2019. Collection method: clinical testing. Allele origin: germline.
Comment: the same text as in the submission from Illumina Laboratory Services, Illumina above.

Breakthrough Genomics
Classification: Benign. Review status: criteria provided, single submitter. Criteria: ACMG Guidelines, 2015. Collection method: not provided. Allele origin: germline. Inheritance: Autosomal recessive inheritance. Affected: yes.

NM_012210.4(TRIM32):c.*1206T>C

Genes: ASTN2 (astrotactin 2; minus strand), TRIM32 (tripartite motif containing 32; plus strand). Cytogenetic location: 9q33.1.
Variant type: single nucleotide variant.
Coding change: c.*1206T>C on transcript NM_012210.4 (MANE Select); 1206 bases downstream of the stop codon, T replaced by C.
Molecular consequence: 3 prime UTR variant. On other transcripts: intron variant (3).
Genome position (GRCh38, 1-based): chr9:116,700,910, T>C. VCF-style: chr9-116700910-T-C. GRCh37 (hg19) VCF-style: chr9-119463189-T-C.
Other names: c.*1206T>C (NM_001099679.2, NM_001379048.1, NM_001379049.1 and 1 more transcripts); c.2653+24861A>G (NM_014010.5); c.2794+24861A>G (NM_001365069.1); c.2806+24861A>G (NM_001365068.1).
Identifiers: ClinVar variation 364737 (VCV000364737.6), dbSNP rs2281627, ClinGen allele CA10632146.